The following is an entry in ClinVar:

ClinVar aggregate classification (germline): Likely benign (1 of 4 stars; one submission).

Submission:

Center for Genomic Medicine, Rigshospitalet, Copenhagen University Hospital
Classification: Likely benign. Last evaluated: 2025-03-04. Review status: criteria provided, single submitter. Criteria: ACMG Guidelines, 2015. Collection method: clinical testing. Allele origin: germline.
Comment: Classification criteria: BP4 supporting, BP7 supporting

NM_000051.4(ATM):c.6452+29T>G

Genes: ATM (ATM serine/threonine kinase; plus strand), C11orf65 (chromosome 11 open reading frame 65; minus strand). Cytogenetic location: 11q22.3.
Variant type: single nucleotide variant.
Coding change: c.6452+29T>G on transcript NM_000051.4 (MANE Select); 29 bases into the intron after coding-DNA position 6452, T replaced by G.
Molecular consequence: intron variant.
Genome position (GRCh38, 1-based): chr11:108,320,087, T>G. VCF-style: chr11-108320087-T-G. GRCh37 (hg19) VCF-style: chr11-108190814-T-G.
Other names: c.6452+29T>G (NM_001351834.2); c.641-11016A>C (NM_001330368.2); c.*39-11016A>C (NM_001351110.2).
Identifiers: ClinVar variation 3765153 (VCV003765153.1).